The following is an entry in ClinVar:

ClinVar aggregate classification (germline): Uncertain significance (1 of 4 stars; one submission).

Conditions:
Hereditary cancer-predisposing syndrome. Also called: Neoplastic Syndromes, Hereditary; Tumor predisposition; Hereditary Cancer Syndrome; Hereditary neoplastic syndrome. Identifiers: Orphanet 140162, MedGen C0027672, MeSH D009386, MONDO:0015356.

Submission:

Ambry Genetics
Classification: Uncertain significance for Hereditary cancer-predisposing syndrome. Last evaluated: 2025-09-01. Review status: criteria provided, single submitter. Criteria: Ambry Variant Classification Scheme 2023. Collection method: clinical testing. Allele origin: germline.
Comment: The p.T127P variant (also known as c.379A>C), located in coding exon 2 of the BLM gene, results from an A to C substitution at nucleotide position 379. The threonine at codon 127 is replaced by proline, an amino acid with highly similar properties. This amino acid position is conserved. In addition, this alteration is predicted to be tolerated by in silico analysis. Based on the available evidence, the clinical significance of this variant remains unclear.

NM_000057.4(BLM):c.379A>C (p.Thr127Pro)

Gene: BLM (BLM RecQ like helicase; plus strand). Cytogenetic location: 15q26.1.
Variant type: single nucleotide variant.
Coding change: c.379A>C on transcript NM_000057.4 (MANE Select); coding-DNA position 379, A replaced by C.
Protein change: p.Thr127Pro; replaces threonine 127 with proline.
Molecular consequence: missense variant. On other transcripts: 5 prime UTR variant (1).
Genome position (GRCh38, 1-based): chr15:90,749,647, A>C. VCF-style: chr15-90749647-A-C. GRCh37 (hg19) VCF-style: chr15-91292877-A-C.
Other names: c.379A>C, p.Thr127Pro (NM_001287246.2, NM_001287247.2); c.-913A>C (NM_001287248.2); short protein forms T127P.
Identifiers: ClinVar variation 4211404 (VCV004211404.1).